The following is an entry in ClinVar:

NM_000170.3(GLDC):c.619C>G (p.Leu207Val)

Gene: GLDC (glycine decarboxylase; minus strand). Cytogenetic location: 9p24.1.
Variant type: single nucleotide variant.
Coding change: c.619C>G on transcript NM_000170.3 (MANE Select); coding-DNA position 619, C replaced by G.
Protein change: p.Leu207Val; replaces leucine 207 with valine.
Molecular consequence: missense variant.
Genome position (GRCh38, 1-based): chr9:6,610,208, G>C on the plus strand (C>G on the coding strand, the complement: GLDC is on the minus strand). VCF-style: chr9-6610208-G-C. GRCh37 (hg19) VCF-style: chr9-6610208-G-C.
Other names: short protein forms L207V.
Identifiers: ClinVar variation 462888 (VCV000462888.15), dbSNP rs142181803, ClinGen allele CA4981079.
Genomic context (GRCh38, chr9:6,610,208, plus strand): 5'-GGTGGCCCACAACTGGAATTCCAGCACTTTGAGAGGCCTCTCACCTGTAGCACAGCTGCA[G>C]TGCCTCTGCGGCTGCAGTCCCCTCATCCAGCAGGGATGCATTGGCCATGTCCAGGCCTGT-3'
Protein context (NP_000161.2, residues 197-217): LDEGTAAAEA[Leu207Val]QLCYRHNKRR

ClinVar aggregate classification (germline): Conflicting classifications of pathogenicity. Review status: criteria provided, conflicting classifications (1 of 4 stars). 4 submissions from 4 submitters: Uncertain significance (3); Likely benign (1). Last evaluated 2026-02-03.

Conditions:
Glycine encephalopathy. Also called: Non-ketotic hyperglycinemia; Nonketotic hyperglycinemia. Identifiers: Orphanet 407, MedGen C0751748, MONDO:0011612, HP:0008288.

Allele frequency attached by ClinVar (database versions not stated): gnomAD exomes 0.00027; 1000 Genomes Project 30x 0.00031; ExAC 0.00033; 1000 Genomes Project 0.00040; ESP Exome Variant Server 0.00046; TOPMed 0.00053.

Submissions (4):

Labcorp Genetics (formerly Invitae), Labcorp
Classification: Likely benign for Glycine encephalopathy. Last evaluated: 2026-02-03. Review status: criteria provided, single submitter. Criteria: Invitae Variant Classification Sherloc (09022015). Collection method: clinical testing. Allele origin: germline.

Blueprint Genetics
Classification: Uncertain significance. Last evaluated: 2024-10-15. Review status: criteria provided, single submitter. Criteria: ACMG Guidelines, 2015. Collection method: clinical testing. Allele origin: germline.

GeneDx
Classification: Uncertain significance. Last evaluated: 2021-06-24. Review status: criteria provided, single submitter. Criteria: GeneDx Variant Classification Process June 2021. Collection method: clinical testing. Allele origin: germline. Affected: yes.
Comment: In silico analysis supports that this missense variant does not alter protein structure/function; Has not been previously published as pathogenic or benign in association with a neurodevelopmental disorder to our knowledge; This variant is associated with the following publications: (PMID: 16601880, 33524012)

Athena Diagnostics
Classification: Uncertain significance. Last evaluated: 2018-11-20. Review status: criteria provided, single submitter. Criteria: Athena Diagnostics Criteria. Collection method: clinical testing. Allele origin: germline.

Literature cited by the submitters: PubMed 16601880 (cited by Athena Diagnostics); PubMed 24123366 (cited by Athena Diagnostics).